The following is an entry in ClinVar:

NM_000083.3(CLCN1):c.697G>A (p.Gly233Ser)

Gene: CLCN1 (chloride voltage-gated channel 1; plus strand). Cytogenetic location: 7q34.
Variant type: single nucleotide variant.
Coding change: c.697G>A on transcript NM_000083.3 (MANE Select); coding-DNA position 697, G replaced by A.
Protein change: p.Gly233Ser; replaces glycine 233 with serine.
Molecular consequence: missense variant. On other transcripts: non-coding transcript variant (1).
Genome position (GRCh38, 1-based): chr7:143,323,309, G>A. VCF-style: chr7-143323309-G-A. GRCh37 (hg19) VCF-style: chr7-143020402-G-A.
Other names: short protein forms G233S.
Identifiers: ClinVar variation 804708 (VCV000804708.14), dbSNP rs139039122, ClinGen allele CA168257695.
Genomic context (GRCh38, chr7:143,323,309, plus strand): 5'-GAGTGCTGCAGAGCCTCCATCTGGCCTCTGACCCCCGCCCCCTCGCTCCCCCTCTCCCAG[G>A]GCCCCTTCGTCCACATTGCCAGCATCTGTGCTGCTGTCCTCAGCAAATTCATGTCTGTGT-3'
Protein context (NP_000074.3, residues 223-243): LGSGIPVGKE[Gly233Ser]PFVHIASICA

ClinVar aggregate classification (germline): Pathogenic/Likely pathogenic. Review status: criteria provided, multiple submitters, no conflicts (2 of 4 stars). 6 submissions from 6 submitters: Pathogenic (4); Likely pathogenic (2). Last evaluated 2025-02-19.

Conditions:
CLCN1-related disorder. Also called: CLCN1-related condition.
Congenital myotonia, autosomal recessive form. Also called: Becker Generalized Myotonia; myotonia congenita, autosomal recessive; BECKER DISEASE. Identifiers: Orphanet 614, MedGen C0751360, MONDO:0009715, OMIM 255700.
Congenital myotonia, autosomal dominant form (THD). Also called: THOMSEN DISEASE; Myotonia congenita autosomal dominant. Identifiers: Orphanet 614, MedGen C2936781, MONDO:0008055, OMIM 160800.

Allele frequency attached by ClinVar (database versions not stated): gnomAD exomes below 0.00001; TOPMed below 0.00001; ESP Exome Variant Server 0.00008.
gnomAD v4.1: 3 of 1,609,770 alleles (0.00019%); highest among the groups gnomAD compares: Admixed American, 0.0017%; no homozygotes.

Submissions (6):

Labcorp Genetics (formerly Invitae), Labcorp
Classification: Pathogenic for Congenital myotonia, autosomal recessive form; Congenital myotonia, autosomal dominant form. Last evaluated: 2025-02-19. Review status: criteria provided, single submitter. Criteria: Invitae Variant Classification Sherloc (09022015). Collection method: clinical testing. Allele origin: germline.
Comment: This sequence change replaces glycine, which is neutral and non-polar, with serine, which is neutral and polar, at codon 233 of the CLCN1 protein (p.Gly233Ser). This variant is not present in population databases (gnomAD no frequency). This missense change has been observed in individuals with myotonia congenita (PMID: 23113340, 34529042, 38127101; internal data). This variant has been reported in individual(s) with autosomal dominant myotonia congenita (PMID: 22790975); however, the role of the variant in this condition is currently unclear. ClinVar contains an entry for this variant (Variation ID: 804708). An algorithm developed to predict the effect of missense changes on protein structure and function (PolyPhen-2) suggests that this variant is likely to be disruptive. Experimental studies have shown that this missense change affects CLCN1 function (PMID: 22790975, 34529042). Algorithms developed to predict the effect of sequence changes on RNA splicing suggest that this variant may disrupt the consensus splice site. This variant disrupts the p.Gly233 amino acid residue in CLCN1. Other variant(s) that disrupt this residue have been observed in individuals with CLCN1-related conditions (PMID: 22094069), which suggests that this may be a clinically significant amino acid residue. For these reasons, this variant has been classified as Pathogenic.

Athena Diagnostics
Classification: Pathogenic. Last evaluated: 2024-07-18. Review status: criteria provided, single submitter. Criteria: Athena Diagnostics Criteria. Collection method: clinical testing. Allele origin: unknown.
Comment: This variant has not been reported in large, multi-ethnic general populations. This variant has been identified in at least one compound heterozygous and at least one heterozygous individual with myotonia congenita. Assessment of experimental evidence suggests this variant results in abnormal protein function. (PMID: 22790975) At least one other missense variant at this codon is considered to be pathogenic or likely pathogenic, suggesting this variant may also cause disease.

PreventionGenetics, part of Exact Sciences
Classification: Likely pathogenic for CLCN1-related condition. Last evaluated: 2023-07-25. Review status: criteria provided, single submitter. Criteria: ACMG Guidelines, 2015. Collection method: clinical testing. Allele origin: germline.
Comment: The CLCN1 c.697G>A variant is predicted to result in the amino acid substitution p.Gly233Ser. This variant was reported in the homozygous and compound heterozygous state in individuals with myotonia congenita (Suetterlin K et al 2022. PubMed ID: 34529042; Skálová et al. 2013. PubMed ID: 24349310;Table 1 in Ivanova et al. 2013. PubMed ID: 25438602; Stunnenberg et al. 2018. PubMed ID: 29606556; Table S1 in Suetterlin et al. 2022. PubMed ID: 34529042). The c.697G>A variant appears to be primarily associated with autosomal recessive myotonia congenita (Table 1 in Ivanova et al. 2013. PubMed ID: 25438602; Suetterlin et al. 2022. PubMed ID: 34529042); however, in one family it appears to possibly segregate with autosomal dominant mode of inheritance in a single family (Richman et al 2012. PubMed ID: 22790975). A different missense variant at this position (p.Gly233Val) has been reported with a CLCN1 frameshift variant in a patient with recessive myotonia congenita (Mazón et al 2012. PubMed ID: 22094069). This variant has not been reported in a large population database, indicating this variant is rare. This variant is interpreted as likely pathogenic.

Kariminejad - Najmabadi Pathology & Genetics Center
Classification: Likely pathogenic for Congenital myotonia, autosomal recessive form. Last evaluated: 2022-12-14. Review status: criteria provided, single submitter. Criteria: ACMG Guidelines, 2015. Collection method: clinical testing. Allele origin: germline. Inheritance: Autosomal recessive inheritance. Affected: yes.
Comment: PM2 PP3 PP5

3billion
Classification: Pathogenic for Congenital myotonia, autosomal recessive form. Last evaluated: 2022-01-03. Review status: criteria provided, single submitter. Criteria: ACMG Guidelines, 2015. Collection method: clinical testing. Allele origin: germline. Affected: yes. Observed: 1 homozygote.
Comment: Same nucleotide change resulting in same amino acid change has been previously reported as pathogenic/likely pathogenic with strong evidence (ClinVar ID: VCV000804708, PMID:22790975, PS1_S). A different missense change at the same codon has been reported to be associated with CLCN1 related disorder (PMID:22094069, PM5_P). In silico tool predictions suggest damaging effect of the variant on gene or gene product (REVEL: 0.936, 3CNET: 0.998, PP3_P). A missense variant is a common mechanism associated with Myotonia congenita (PP2_P). It is not observed in the gnomAD v2.1.1 dataset (PM2_M). Therefore, this variant is classified as pathogenic according to the recommendation of ACMG/AMP guideline.

Institute of Human Genetics Munich, TUM University Hospital
Classification: Pathogenic for Congenital myotonia, autosomal recessive form. Last evaluated: 2019-11-11. Review status: criteria provided, single submitter. Criteria: Classification criteria August 2017. Collection method: clinical testing. Allele origin: germline. Inheritance: Autosomal recessive inheritance. Affected: yes. Observed: 1 compound heterozygote.

Literature cited by the submitters: PubMed 23113340 (cited by Labcorp Genetics (formerly Invitae), Labcorp and Athena Diagnostics); PubMed 34529042 (cited by Labcorp Genetics (formerly Invitae), Labcorp and Athena Diagnostics); PubMed 38127101 (cited by Labcorp Genetics (formerly Invitae), Labcorp and Athena Diagnostics); PubMed 22790975 (cited by 3 submitters); PubMed 22094069 (cited by Labcorp Genetics (formerly Invitae), Labcorp and 3billion); PubMed 25438602 (cited by Athena Diagnostics); PubMed 29606556 (cited by Athena Diagnostics); PubMed 34426522 (cited by Athena Diagnostics).